The following is an entry in ClinVar:

ClinVar aggregate classification (germline): Uncertain significance (1 of 4 stars; one submission).

Submission:

GeneDx
Classification: Uncertain significance. Last evaluated: 2024-07-10. Review status: criteria provided, single submitter. Criteria: GeneDx Variant Classification Process June 2021. Collection method: clinical testing. Allele origin: germline. Affected: yes.
Comment: Not observed at significant frequency in large population cohorts (gnomAD); In silico analysis indicates that this missense variant does not alter protein structure/function; Has not been previously published as pathogenic or benign to our knowledge

NM_014991.6(WDFY3):c.4816A>T (p.Met1606Leu)

Gene: WDFY3 (WD repeat and FYVE domain containing 3; minus strand). Cytogenetic location: 4q21.23.
Variant type: single nucleotide variant.
Coding change: c.4816A>T on transcript NM_014991.6 (MANE Select); coding-DNA position 4816, A replaced by T.
Protein change: p.Met1606Leu; replaces methionine 1606 with leucine.
Molecular consequence: missense variant.
Genome position (GRCh38, 1-based): chr4:84,772,868, T>A on the plus strand (A>T on the coding strand, the complement: WDFY3 is on the minus strand). VCF-style: chr4-84772868-T-A. GRCh37 (hg19) VCF-style: chr4-85694021-T-A.
Other names: short protein forms M1606L.
Identifiers: ClinVar variation 3572483 (VCV003572483.1).